The following is an entry in ClinVar:

NM_001164508.2(NEB):c.9046C>G (p.Arg3016Gly)

Gene: NEB (nebulin; minus strand). Cytogenetic location: 2q23.3.
Variant type: single nucleotide variant.
Coding change: c.9046C>G on transcript NM_001164508.2 (MANE Select); coding-DNA position 9046, C replaced by G.
Protein change: p.Arg3016Gly; replaces arginine 3016 with glycine.
Molecular consequence: missense variant. On other transcripts: intron variant (1).
Genome position (GRCh38, 1-based): chr2:151,636,283, G>C on the plus strand (C>G on the coding strand, the complement: NEB is on the minus strand). VCF-style: chr2-151636283-G-C. GRCh37 (hg19) VCF-style: chr2-152492797-G-C.
Other names: c.9046C>G, p.Arg3016Gly (NM_001164507.2, NM_001271208.2); c.8853+3610C>G (NM_004543.5); short protein forms R3016G.
Identifiers: ClinVar variation 1383860 (VCV001383860.7), dbSNP rs1057517977, ClinGen allele CA348805504.

ClinVar aggregate classification (germline): Uncertain significance (1 of 4 stars; one submission).

Conditions:
Nemaline myopathy 2 (NEM2). Also called: Nemaline myopathy 2, autosomal recessive. Identifiers: MedGen C1850569, MONDO:0009725, OMIM 256030.

gnomAD v4.1: 1 of 1,609,638 alleles (0.000062%); highest among the groups gnomAD compares: Non-Finnish European, 0.000085%; no homozygotes.

Submission:

Labcorp Genetics (formerly Invitae), Labcorp
Classification: Uncertain significance for Nemaline myopathy 2. Last evaluated: 2021-04-03. Review status: criteria provided, single submitter. Criteria: Invitae Variant Classification Sherloc (09022015). Collection method: clinical testing. Allele origin: germline.
Comment: This sequence change replaces arginine with glycine at codon 3016 of the NEB protein (p.Arg3016Gly). The arginine residue is weakly conserved and there is a moderate physicochemical difference between arginine and glycine. This variant is not present in population databases (ExAC no frequency). This variant has not been reported in the literature in individuals with NEB-related conditions. Algorithms developed to predict the effect of missense changes on protein structure and function are either unavailable or do not agree on the potential impact of this missense change (SIFT: "Deleterious"; PolyPhen-2: "Not Available"; Align-GVGD: "Class C0"). In summary, the available evidence is currently insufficient to determine the role of this variant in disease. Therefore, it has been classified as a Variant of Uncertain Significance.